The following is an entry in ClinVar:

ClinVar aggregate classification (germline): Uncertain significance. Review status: criteria provided, multiple submitters, no conflicts (2 of 4 stars). 4 submissions from 4 submitters: Uncertain significance (4). Last evaluated 2024-11-06.

Conditions:
Primary ciliary dyskinesia 21. Also called: CILIARY DYSKINESIA, PRIMARY, 21, WITHOUT SITUS INVERSUS. Identifiers: Orphanet 244, MedGen C3809087, MONDO:0014123, OMIM 615294.
Primary ciliary dyskinesia. Also called: Ciliary dyskinesia. Identifiers: Orphanet 244, MedGen C0008780, MONDO:0016575, HP:0012265.

Allele frequency attached by ClinVar (database versions not stated): gnomAD 0.00023 and 0.00025; ExAC 0.00024; gnomAD exomes 0.00024 and 0.00041; TOPMed 0.00026; 1000 Genomes Project 30x 0.00031; ESP Exome Variant Server 0.00038; 1000 Genomes Project 0.00040.
gnomAD v4.1: 644 of 1,613,342 alleles (0.04%); highest among the groups gnomAD compares: South Asian, 0.068%; no homozygotes.

Submissions (4):

Blueprint Genetics
Classification: Uncertain significance. Last evaluated: 2024-11-06. Review status: criteria provided, single submitter. Criteria: ACMG Guidelines, 2015. Collection method: clinical testing. Allele origin: germline.

Labcorp Genetics (formerly Invitae), Labcorp
Classification: Uncertain significance for Primary ciliary dyskinesia. Last evaluated: 2022-10-01. Review status: criteria provided, single submitter. Criteria: Invitae Variant Classification Sherloc (09022015). Collection method: clinical testing. Allele origin: germline.
Comment: This sequence change replaces tryptophan, which is neutral and slightly polar, with glycine, which is neutral and non-polar, at codon 141 of the DRC1 protein (p.Trp141Gly). This variant is present in population databases (rs139583194, gnomAD 0.06%). This missense change has been observed in individual(s) with primary ciliary dyskinesia (PMID: 31213628). ClinVar contains an entry for this variant (Variation ID: 407099). Algorithms developed to predict the effect of missense changes on protein structure and function (SIFT, PolyPhen-2, Align-GVGD) all suggest that this variant is likely to be disruptive. In summary, the available evidence is currently insufficient to determine the role of this variant in disease. Therefore, it has been classified as a Variant of Uncertain Significance.

Fulgent Genetics
Classification: Uncertain significance for Primary ciliary dyskinesia 21. Last evaluated: 2022-04-11. Review status: criteria provided, single submitter. Criteria: ACMG Guidelines, 2015. Collection method: clinical testing. Allele origin: unknown.

Neuberg Centre For Genomic Medicine, NCGM
Classification: Uncertain significance for Primary ciliary dyskinesia 21. Review status: criteria provided, single submitter. Criteria: ACMG Guidelines, 2015. Collection method: clinical testing. Allele origin: germline. Inheritance: Autosomal recessive inheritance. Affected: yes.
Comment: The missense c.421T>Gp.Trp141Gly variant in DRC1 gene has been reported in an individual affected with primary ciliary dyskinesia Olm MAK, et. al., 2019. The p.Trp141Gly variant has been reported with allele frequency of 0.02% in gnomAD Exomes and is novel not in any individuals in 1000 Genomes database. This variant has been reported to the ClinVar database as Uncertain significance. The amino acid change p.Trp141Gly in DRC1 is predicted as conserved by GERP++ and PhyloP across 100 vertebrates. The amino acid Trp at position 141 is changed to a Gly changing protein sequence and it might alter its composition and physico-chemical properties. For these reasons, this variant has been classified as Variant of Uncertain Significance VUS.

Literature cited by the submitters: PubMed 31213628 (cited by Labcorp Genetics (formerly Invitae), Labcorp).

NM_145038.5(DRC1):c.421T>G (p.Trp141Gly)

Gene: DRC1 (dynein regulatory complex subunit 1; plus strand). Cytogenetic location: 2p23.3.
Variant type: single nucleotide variant.
Coding change: c.421T>G on transcript NM_145038.5 (MANE Select); coding-DNA position 421, T replaced by G.
Protein change: p.Trp141Gly; replaces tryptophan 141 with glycine.
Molecular consequence: missense variant.
Genome position (GRCh38, 1-based): chr2:26,424,335, T>G. VCF-style: chr2-26424335-T-G. GRCh37 (hg19) VCF-style: chr2-26647203-T-G.
Other names: short protein forms W141G.
Identifiers: ClinVar variation 407099 (VCV000407099.19), dbSNP rs139583194, ClinGen allele CA1561856.
Genomic context (GRCh38, chr2:26,424,335, plus strand): 5'-GAGAAGCTGGAGAATGAAGTTAAGACCAGCCAGGACAAATTCGATGAAATCACCTCAAAG[T>G]GGGAAGAGGGCAAGCAGAAGAGAATTCCCCAAGAGCTGTGGGAAATGCTCAATACCCAAC-3'
Protein context (NP_659475.2, residues 131-151): QDKFDEITSK[Trp141Gly]EEGKQKRIPQ